The following is an entry in ClinVar:

ClinVar aggregate classification (germline): Conflicting classifications of pathogenicity. Review status: criteria provided, conflicting classifications (1 of 4 stars). 3 submissions from 3 submitters: Likely pathogenic (1); Uncertain significance (2). Last evaluated 2025-01-30.

Conditions:
Autosomal recessive limb-girdle muscular dystrophy type 2J (LGMDR10). Also called: MUSCULAR DYSTROPHY, LIMB-GIRDLE, AUTOSOMAL RECESSIVE 10; Limb-girdle muscular dystrophy, type 2J. Identifiers: Orphanet 140922, MedGen C1837342, MONDO:0012127, OMIM 608807.
Dilated cardiomyopathy 1G (CMD1G). Identifiers: Orphanet 154, MedGen C1858763, MONDO:0011400, OMIM 604145.
Cardiovascular phenotype. Identifiers: MedGen CN230736.
Tibial muscular dystrophy (TMD). Also called: Tibial muscular dystrophy, tardive; Udd Distal Myopathy – Tibial Muscular Dystrophy; UDD MYOPATHY. Identifiers: Orphanet 609, MedGen C1838244, MONDO:0010870, OMIM 600334.
Myopathy, myofibrillar, 9, with early respiratory failure (MFM9). Also called: Myopathy, distal, with early respiratory failure, autosomal dominant; EDSTROM MYOPATHY; MYOPATHY, PROXIMAL, WITH EARLY RESPIRATORY MUSCLE INVOLVEMENT; Hereditary myopathy with early respiratory failure. Identifiers: Orphanet 178464, Orphanet 34521, MedGen C1863599, MONDO:0011362, OMIM 603689.
Early-onset myopathy with fatal cardiomyopathy (CMYO5). Also called: CONGENITAL MYOPATHY 5 WITH CARDIOMYOPATHY; Salih Myopathy. Identifiers: Orphanet 289377, MedGen C2673677, MONDO:0012714, OMIM 611705. Disease mechanism: loss of function.
Hypertrophic cardiomyopathy 9. Also called: Familial hypertrophic cardiomyopathy 9. Identifiers: MedGen C1861065, MONDO:0013412, OMIM 613765.

gnomAD v4.1: 2 of 1,589,474 alleles (0.00013%); highest among the groups gnomAD compares: Non-Finnish European, 0.00017%; no homozygotes.

Submissions (3):

Ambry Genetics
Classification: Uncertain significance for Cardiovascular phenotype. Last evaluated: 2025-01-30. Review status: criteria provided, single submitter. Criteria: Ambry Variant Classification Scheme 2023. Collection method: clinical testing. Allele origin: germline.
Comment: The c.14414-2A>C intronic variant results from an A to C substitution two nucleotides upstream from coding exon 54 in the TTN gene. Exon 54 is located in the I-band region of the N2-B isoform of the titin protein and is constitutively expressed in TTN transcripts (percent spliced in or PSI 100%). This variant was reported in individual(s) with features consistent with dilated cardiomyopathy (DCM) (Dal Ferro M et al. Heart, 2017 Nov;103:1704-1710). This nucleotide position is highly conserved in available vertebrate species. In silico splice site analysis predicts that this alteration will weaken the native splice acceptor site and will result in the creation or strengthening of a novel splice acceptor site. This alteration disrupts the canonical splice site and is expected to cause aberrant splicing. However, although direct evidence is unavailable, this alteration is predicted to result in an in-frame transcript that is not expected to trigger nonsense-mediated mRNA decay. The exact functional effect of the predicted splice impact is unknown. Based on the available evidence, the clinical significance of this variant remains unclear.

Labcorp Genetics (formerly Invitae), Labcorp
Classification: Likely pathogenic for Dilated cardiomyopathy 1G; Autosomal recessive limb-girdle muscular dystrophy type 2J. Last evaluated: 2024-10-28. Review status: criteria provided, single submitter. Criteria: Invitae Variant Classification Sherloc (09022015). Collection method: clinical testing. Allele origin: germline.
Comment: This sequence change affects an acceptor splice site in intron 226 of the TTN gene. It is expected to disrupt RNA splicing and likely results in a truncated or disrupted TTN protein. This variant is not present in population databases (gnomAD no frequency). This variant has not been observed in the literature in individuals with autosomal recessive TTN-related conditions. This variant has been reported in individual(s) with dilated cardiomyopathy (PMID: 32964742, 36396199); however, the role of the variant in this condition is currently unclear. ClinVar contains an entry for this variant (Variation ID: 180578). Algorithms developed to predict the effect of sequence changes on RNA splicing suggest that this variant may disrupt the consensus splice site. This variant is located in the I band of TTN (PMID: 25589632). Truncating variants in this region have been reported in individuals affected with autosomal recessive centronuclear myopathy (PMID: 23975875, internal data). Truncating variants in this region have also been identified in individuals affected with autosomal dominant dilated cardiomyopathy and/or cardio-related conditions (PMID: 27869827, 32964742, internal data). In summary, the currently available evidence indicates that the variant is pathogenic, but additional data are needed to prove that conclusively. Therefore, this variant has been classified as Likely Pathogenic.

Fulgent Genetics
Classification: Uncertain significance for Tibial muscular dystrophy; Myopathy, myofibrillar, 9, with early respiratory failure; Dilated cardiomyopathy 1G; Autosomal recessive limb-girdle muscular dystrophy type 2J; Early-onset myopathy with fatal cardiomyopathy; Hypertrophic cardiomyopathy 9. Last evaluated: 2021-08-31. Review status: criteria provided, single submitter. Criteria: ACMG Guidelines, 2015. Collection method: clinical testing. Allele origin: unknown.

Literature cited by the submitters: PubMed 28416588 (cited by Ambry Genetics); PubMed 32964742 (cited by Labcorp Genetics (formerly Invitae), Labcorp); PubMed 36396199 (cited by Labcorp Genetics (formerly Invitae), Labcorp); PubMed 25589632 (cited by Labcorp Genetics (formerly Invitae), Labcorp); PubMed 23975875 (cited by Labcorp Genetics (formerly Invitae), Labcorp); PubMed 27869827 (cited by Labcorp Genetics (formerly Invitae), Labcorp).

NM_001267550.2(TTN):c.41609-2A>C

Gene: TTN (titin; minus strand). Cytogenetic location: 2q31.2.
Variant type: single nucleotide variant.
Coding change: c.41609-2A>C on transcript NM_001267550.2 (MANE Select); the canonical splice acceptor site of the intron before coding-DNA position 41609, A replaced by C.
Molecular consequence: splice acceptor variant.
Genome position (GRCh38, 1-based): chr2:178,635,717, T>G on the plus strand (A>C on the coding strand, the complement: TTN is on the minus strand). VCF-style: chr2-178635717-T-G. GRCh37 (hg19) VCF-style: chr2-179500444-T-G.
Other names: c.14414-2A>C (NM_003319.4); c.14990-2A>C (NM_133437.4); c.14789-2A>C (NM_133432.3); c.33905-2A>C (NM_133378.4); c.36686-2A>C (NM_001256850.1).
Identifiers: ClinVar variation 180578 (VCV000180578.18), dbSNP rs730880244, ClinGen allele CA346771.